The following is an entry in ClinVar:

NM_031296.3(RAB33B):c.*590T>C

Gene: RAB33B (RAB33B, member RAS oncogene family; plus strand). Cytogenetic location: 4q31.1.
Variant type: single nucleotide variant.
Coding change: c.*590T>C on transcript NM_031296.3 (MANE Select); 590 bases downstream of the stop codon, T replaced by C.
Molecular consequence: 3 prime UTR variant.
Genome position (GRCh38, 1-based): chr4:139,473,716, T>C. VCF-style: chr4-139473716-T-C. GRCh37 (hg19) VCF-style: chr4-140394870-T-C.
Identifiers: ClinVar variation 347574 (VCV000347574.5), dbSNP rs78607198, ClinGen allele CA10620081.
Genomic context (GRCh38, chr4:139,473,716, plus strand): 5'-TAGGTACTCACCACTGCATCTGGCCTTTCTTTGTTTTATTAACATATTTAGTTTTGTTAT[T>C]ATTGGTATGTTTTAGAGCCAAGACTTTAGTTCCAGTGGGATAAGAAGGCATAGAATGTTT-3'

ClinVar aggregate classification (germline): Likely benign (1 of 4 stars; one submission).

Conditions:
Smith-McCort dysplasia 2 (SMC2). Identifiers: MedGen C3714896, MONDO:0014087, OMIM 615222.

Allele frequency attached by ClinVar (database versions not stated): gnomAD 0.01681 and 0.01799; 1000 Genomes Project 0.01697; 1000 Genomes Project 30x 0.01843; TOPMed 0.01880.

Submission:

Illumina Laboratory Services, Illumina
Classification: Likely benign for Smith-McCort dysplasia 2. Last evaluated: 2017-04-27. Review status: criteria provided, single submitter. Criteria: ICSL Variant Classification Criteria 13 December 2019. Collection method: clinical testing. Allele origin: germline.
Comment: This variant was observed as part of a predisposition screen in an ostensibly healthy population. A literature search was performed for the gene, cDNA change, and amino acid change (where applicable). No publications were found based on this search. Allele frequency data from public databases allowed determination this variant is unlikely to cause disease. Therefore, this variant is classified as likely benign.